The following is an entry in ClinVar:

ClinVar aggregate classification (germline): Uncertain significance (1 of 4 stars; one submission).

Conditions:
Cardiovascular phenotype. Identifiers: MedGen CN230736.

Submission:

Ambry Genetics
Classification: Uncertain significance for Cardiovascular phenotype. Last evaluated: 2025-10-26. Review status: criteria provided, single submitter. Criteria: Ambry Variant Classification Scheme 2023. Collection method: clinical testing. Allele origin: germline.
Comment: The p.H1198Y variant (also known as c.3592C>T), located in coding exon 24 of the MYH6 gene, results from a C to T substitution at nucleotide position 3592. The histidine at codon 1198 is replaced by tyrosine, an amino acid with similar properties. This amino acid position is conserved. In addition, the in silico prediction for this alteration is inconclusive. Based on the available evidence, the clinical significance of this variant remains unclear.

NM_002471.4(MYH6):c.3592C>T (p.His1198Tyr)

Gene: MYH6 (myosin heavy chain 6; minus strand). Cytogenetic location: 14q11.2.
Variant type: single nucleotide variant.
Coding change: c.3592C>T on transcript NM_002471.4 (MANE Select); coding-DNA position 3592, C replaced by T.
Protein change: p.His1198Tyr; replaces histidine 1198 with tyrosine.
Molecular consequence: missense variant.
Genome position (GRCh38, 1-based): chr14:23,390,197, G>A on the plus strand (C>T on the coding strand, the complement: MYH6 is on the minus strand). VCF-style: chr14-23390197-G-A. GRCh37 (hg19) VCF-style: chr14-23859406-G-A.
Other names: short protein forms H1198Y.
Identifiers: ClinVar variation 4614613 (VCV004614613.1).